The following is an entry in ClinVar:

NM_017534.6(MYH2):c.4537+5G>C

Genes: MYH2 (myosin heavy chain 2; minus strand), MYHAS (myosin heavy chain gene cluster antisense RNA; plus strand), LOC126862500 (BRD4-independent group 4 enhancer GRCh37_chr17:10427829-10429028; plus strand). Cytogenetic location: 17p13.1.
Variant type: single nucleotide variant.
Coding change: c.4537+5G>C on transcript NM_017534.6 (MANE Select); 5 bases into the intron after coding-DNA position 4537, G replaced by C.
Molecular consequence: intron variant.
Genome position (GRCh38, 1-based): chr17:10,525,446, C>G on the plus strand (G>C on the coding strand, the complement: MYH2 is on the minus strand). VCF-style: chr17-10525446-C-G. GRCh37 (hg19) VCF-style: chr17-10428763-C-G.
Other names: c.4537+5G>C (NM_001100112.2).
Identifiers: ClinVar variation 429841 (VCV000429841.8), dbSNP rs1131691628, ClinGen allele CA645369703.

ClinVar aggregate classification (germline): Conflicting classifications of pathogenicity. Review status: criteria provided, conflicting classifications (1 of 4 stars). 3 submissions from 3 submitters: Likely pathogenic (1); Uncertain significance (2). Last evaluated 2023-11-17.

Conditions:
Myopathy, proximal, and ophthalmoplegia (CMYO6). Also called: MYOPATHY WITH CONGENITAL JOINT CONTRACTURES, OPHTHALMOPLEGIA, AND RIMMED VACUOLES; INCLUSION BODY MYOPATHY 3, AUTOSOMAL DOMINANT; CONGENITAL MYOPATHY 6 WITH OPHTHALMOPLEGIA. Identifiers: Orphanet 363677, Orphanet 79091, MedGen C1854106, MONDO:0011577, OMIM 605637.

Allele frequency attached by ClinVar (database versions not stated): TOPMed below 0.00001.
gnomAD v4.1: 3 of 1,614,168 alleles (0.00019%); no homozygotes.

Submissions (3):

Labcorp Genetics (formerly Invitae), Labcorp
Classification: Uncertain significance for Myopathy, proximal, and ophthalmoplegia. Last evaluated: 2023-11-17. Review status: criteria provided, single submitter. Criteria: Invitae Variant Classification Sherloc (09022015). Collection method: clinical testing. Allele origin: germline.
Comment: This sequence change falls in intron 32 of the MYH2 gene. It does not directly change the encoded amino acid sequence of the MYH2 protein. It affects a nucleotide within the consensus splice site. This variant is not present in population databases (gnomAD no frequency). This variant has not been reported in the literature in individuals affected with MYH2-related conditions. ClinVar contains an entry for this variant (Variation ID: 429841). Variants that disrupt the consensus splice site are a relatively common cause of aberrant splicing (PMID: 17576681, 9536098). Algorithms developed to predict the effect of sequence changes on RNA splicing suggest that this variant may disrupt the consensus splice site. In summary, the available evidence is currently insufficient to determine the role of this variant in disease. Therefore, it has been classified as a Variant of Uncertain Significance.

Blueprint Genetics
Classification: Uncertain significance. Last evaluated: 2021-08-11. Review status: criteria provided, single submitter. Criteria: ACMG Guidelines, 2015. Collection method: clinical testing. Allele origin: germline.

GeneDx
Classification: Likely pathogenic. Last evaluated: 2020-04-21. Review status: criteria provided, single submitter. Criteria: GeneDx Variant Classification Process June 2021. Collection method: clinical testing. Allele origin: germline. Affected: yes.
Comment: Intronic +5 splice site variant in a gene for which loss-of-function is a known mechanism of disease, and splice predictors support a deleterious effect; Not observed in large population cohorts (Lek et al., 2016); Has not been previously published as pathogenic or benign to our knowledge

Literature cited by the submitters: PubMed 17576681 (cited by Labcorp Genetics (formerly Invitae), Labcorp); PubMed 9536098 (cited by Labcorp Genetics (formerly Invitae), Labcorp).